The following is an entry in ClinVar:

ClinVar aggregate classification (germline): Pathogenic (1 of 4 stars; one submission).

Submission:

Labcorp Genetics (formerly Invitae), Labcorp
Classification: Pathogenic. Last evaluated: 2023-10-11. Review status: criteria provided, single submitter. Criteria: Invitae Variant Classification Sherloc (09022015). Collection method: clinical testing. Allele origin: germline.
Comment: This sequence change creates a premature translational stop signal (p.Ala627Glyfs*8) in the ASXL1 gene. While this is not anticipated to result in nonsense mediated decay, it is expected to disrupt the last 915 amino acid(s) of the ASXL1 protein. This variant is not present in population databases (gnomAD no frequency). This variant has not been reported in the literature in individuals affected with ASXL1-related conditions. This variant disrupts a region of the ASXL1 protein in which other variant(s) (p.Glu1400*) have been determined to be pathogenic (PMID: 31969346). This suggests that this is a clinically significant region of the protein, and that variants that disrupt it are likely to be disease-causing. For these reasons, this variant has been classified as Pathogenic.

Literature cited by the submitters: PubMed 31969346.

NM_015338.6(ASXL1):c.1879dup (p.Ala627fs)

Gene: ASXL1 (ASXL transcriptional regulator 1; plus strand). Cytogenetic location: 20q11.21.
Variant type: Duplication.
Coding change: c.1879dup on transcript NM_015338.6 (MANE Select); coding-DNA position 1879, one base duplicated (G; older notation c.1879dupG).
Protein change: p.Ala627fs; shifts the reading frame from alanine 627.
Molecular consequence: frameshift variant.
Genome position (GRCh38, 1-based): chr20:32,434,591, G duplicated; the last of 4 consecutive G bases (chr20:32,434,588-32,434,591); duplicating any one gives the same sequence. VCF-style (leftmost placement, unchanged base first): chr20-32434587-A-AG. GRCh37 (hg19) VCF-style: chr20-31022390-A-AG.
Other names: c.1696dup, p.Ala566fs (NM_001363734.1); short protein forms A627fs, A566fs.
Identifiers: ClinVar variation 2782117 (VCV002782117.3), dbSNP rs2515552360, ClinGen allele CA645611700.
Genomic context (GRCh38, chr20:32,434,587, plus strand): 5'-CCGGGGTTGGACTGGCGCCAGGACCCTCGCAGACATTAAAGCCCGTGCTCTGCAGGTCCG[A>AG]GGGGCGAGAGGTCACCACTGCCATAGAGAGGCGGCCACCACTGCCATCGGAGGGGGGGGT-3'